The following is an entry in ClinVar:

NM_000540.3(RYR1):c.12288G>A (p.Met4096Ile)

Gene: RYR1 (ryanodine receptor 1; plus strand). Cytogenetic location: 19q13.2.
Variant type: single nucleotide variant.
Coding change: c.12288G>A on transcript NM_000540.3 (MANE Select); coding-DNA position 12288, G replaced by A.
Protein change: p.Met4096Ile; replaces methionine 4096 with isoleucine.
Molecular consequence: missense variant.
Genome position (GRCh38, 1-based): chr19:38,561,118, G>A. VCF-style: chr19-38561118-G-A. GRCh37 (hg19) VCF-style: chr19-39051758-G-A.
Other names: c.12273G>A, p.Met4091Ile (NM_001042723.2); short protein forms M4091I, M4096I.
Identifiers: ClinVar variation 3074098 (VCV003074098.1), dbSNP rs2514651928, ClinGen allele CA405667827.

ClinVar aggregate classification (germline): Uncertain significance (1 of 4 stars; one submission).

Conditions:
Malignant hyperthermia, susceptibility to, 1 (MHS1). Also called: Anesthesia related hyperthermia; Malignant hyperpyrexia; Fulminating hyperpyrexia; Pharmacogenic myopathy; RYR1-Related Malignant Hyperthermia Susceptibility; Malignant hyperthermia suceptibility 1. Identifiers: Orphanet 423, MedGen C2930980, MONDO:0007783, OMIM 145600.

Submission:

All of Us Research Program, National Institutes of Health
Classification: Uncertain significance for Malignant hyperthermia, susceptibility to, 1. Last evaluated: 2023-10-23. Review status: criteria provided, single submitter. Criteria: ACMG Guidelines, 2015. Collection method: clinical testing. Allele origin: germline. Inheritance: Autosomal dominant inheritance. Observed: 1 variant allele, 1 heterozygote.
Comment: This missense variant replaces methionine with isoleucine at codon 4096 of the RYR1 protein. Computational prediction is inconclusive regarding the impact of this variant on protein structure and function (internally defined REVEL score threshold 0.5 < inconclusive < 0.7, PMID: 27666373). To our knowledge, functional studies have not been reported for this variant. This variant has not been reported in individuals affected with RYR1-related disorders in the literature. This variant has not been identified in the general population by the Genome Aggregation Database (gnomAD). The available evidence is insufficient to determine the role of this variant in disease conclusively. Therefore, this variant is classified as a Variant of Uncertain Significance.

This study involves interpretation of variants in research participants for the purpose of population health screening. Participant phenotype was not available at the time of variant classification. Additional details can be found in publication PMID: 35346344, PMCID: PMC8962531